The following is an entry in ClinVar:

NM_000112.4(SLC26A2):c.1361A>C (p.Gln454Pro)

Gene: SLC26A2 (solute carrier family 26 member 2; plus strand). Cytogenetic location: 5q32.
Variant type: single nucleotide variant.
Coding change: c.1361A>C on transcript NM_000112.4 (MANE Select); coding-DNA position 1361, A replaced by C.
Protein change: p.Gln454Pro; replaces glutamine 454 with proline.
Molecular consequence: missense variant.
Genome position (GRCh38, 1-based): chr5:149,980,954, A>C. VCF-style: chr5-149980954-A-C. GRCh37 (hg19) VCF-style: chr5-149360517-A-C.
Other names: short protein forms Q454P.
Identifiers: ClinVar variation 4096 (VCV000004096.6), dbSNP rs104893921, ClinGen allele CA116646.

ClinVar aggregate classification (germline): Pathogenic/Likely pathogenic. Review status: criteria provided, multiple submitters, no conflicts (2 of 4 stars). 5 submissions from 5 submitters: Pathogenic (1); Likely pathogenic (2). 2 of the submissions do not count toward it. Last evaluated 2026-02-15.

Conditions:
Osteochondrodysplasia. Identifiers: MedGen C0029422, MONDO:0005516.
SLC26A2-related disorder. Also called: SLC26A2-related disorders; SLC26A2-related condition. Identifiers: MedGen CN239404.
Achondrogenesis, type IB (ACG1B). Also called: Achondrogenesis Type 1B. Identifiers: Orphanet 932, Orphanet 93298, MedGen C0265274, MONDO:0010966, OMIM 600972.
DIASTROPHIC DYSPLASIA, BROAD BONE-PLATYSPONDYLIC VARIANT. Identifiers: MedGen C1857255, OMIM 222600.
Diastrophic dysplasia (DTD). Also called: Diastrophic dwarfism. Identifiers: Orphanet 628, MedGen C0220726, MONDO:0009107, OMIM 222600.

Allele frequency attached by ClinVar (database versions not stated): TOPMed below 0.00001; gnomAD 0.00001.
gnomAD v4.1: 2 of 1,614,020 alleles (0.00012%); highest among the groups gnomAD compares: Admixed American, 0.0017%; no homozygotes.

Submissions (5):

PreventionGenetics, part of Exact Sciences
Classification: Pathogenic for SLC26A2-related condition. Last evaluated: 2026-02-15. Review status: criteria provided, single submitter. Criteria: ACMG Guidelines, 2015. Collection method: clinical testing. Allele origin: germline.
Comment: The SLC26A2 c.1361A>C variant is predicted to result in the amino acid substitution p.Gln454Pro. This variant has been reported in the homozygous state in individuals with SLC26A2-related disorders (Megarbane et al. 1999. PubMed ID: 10466420; Table S1. Stark et al. 2017. PubMed ID: 28832562; Supp. Table 1, Dillon et al. 2018. PubMed ID: 29453417). Experimental studies indicate this variant impacts protein function (Karniski. 2004. PubMed ID: 15294877). This variant has not been reported in a large population database (gnomAD), indicating this variant is rare. This variant is interpreted as pathogenic.

Women's Health and Genetics/Laboratory Corporation of America, LabCorp
Classification: Likely pathogenic for Osteochondrodysplasia. Last evaluated: 2025-11-07. Review status: criteria provided, single submitter. Criteria: LabCorp Variant Classification Summary - May 2015. Collection method: clinical testing. Allele origin: germline.
Comment: Variant summary: SLC26A2 c.1361A>C (p.Gln454Pro) results in a non-conservative amino acid change in the encoded protein sequence. Algorithms developed to predict the effect of missense changes on protein structure and function all suggest that this variant is likely to be disruptive. The variant was absent in 251184 control chromosomes. c.1361A>C has been observed in individuals affected with Sulfate Transporter-Related Osteochondrodysplasia (e.g. Megarbane_1999, Stark_2017). These data indicate that the variant is likely to be associated with disease. At least one publication reports experimental evidence evaluating an impact on protein function. The most pronounced variant effect resulted in approximately 40% of normal transport activity and indicated that the majority of the variant protein is expressed in the unglycosylated form (Karniski_2004). The following publications have been ascertained in the context of this evaluation (PMID: 10466420, 15294877, 28832562). ClinVar contains an entry for this variant (Variation ID: 4096). Based on the evidence outlined above, the variant was classified as likely pathogenic.

Natera, Inc.
Classification: Likely pathogenic for Achondrogenesis type IB. Last evaluated: 2024-07-23. Review status: criteria provided, single submitter. Criteria: Natera Variant Classification Schema (03/2026). Collection method: clinical testing. Allele origin: germline.
Comment: The c.1361A>C variant in SLC26A2 is a missense variant predicted to cause substitution of glutamine to proline at amino acid 454. This variant is rare in the general population with a frequency below the threshold expected for the associated phenotype(s). This variant has been observed in one or more individuals affected with the associated recessive disease, as either homozygous or compound heterozygous with a second variant (PMID: 28832562). Functional studies show that this variant may disrupt protein function (PMID: 15294877). Computational prediction algorithms indicate this variant is likely to affect gene or protein function. Given the available evidence, this variant is classified as Likely Pathogenic.

OMIM
Classification: Pathogenic for DIASTROPHIC DYSPLASIA, BROAD BONE-PLATYSPONDYLIC VARIANT. Last evaluated: 2002-08-01. Review status: no assertion criteria provided. Collection method: literature only. Allele origin: germline. Not counted in ClinVar's aggregate classification.

GeneReviews
No classification provided. Condition: Diastrophic dysplasia. Review status: no classification provided. Collection method: literature only. Allele origin: unknown. Not counted in ClinVar's aggregate classification.

Literature cited by the submitters: PubMed 15294877 (cited by Women's Health and Genetics/Laboratory Corporation of America, LabCorp and Natera, Inc.); PubMed 10466420 (cited by Women's Health and Genetics/Laboratory Corporation of America, LabCorp and OMIM); PubMed 28832562 (cited by Women's Health and Genetics/Laboratory Corporation of America, LabCorp and Natera, Inc.); PubMed 12220459 (cited by OMIM); PubMed 702237 (cited by OMIM); PubMed 8723083 (cited by OMIM); PubMed 20301524 (cited by GeneReviews); NCBI Bookshelf NBK1350 (cited by GeneReviews).